The following is an entry in ClinVar:

ClinVar aggregate classification (germline): Likely pathogenic (3 of 4 stars; one submission).

Conditions:
Monogenic diabetes. Identifiers: Orphanet 183625, MedGen C3888631, MONDO:0015967.

Submission:

ClinGen Monogenic Diabetes Variant Curation Expert Panel
Classification: Likely pathogenic for Monogenic diabetes. Last evaluated: 2025-01-29. Review status: reviewed by expert panel. Criteria: ClinGen Diabetes ACMG Specifications HNF4A V2.0.0. Collection method: curation. Allele origin: germline. Inheritance: Autosomal dominant inheritance.
Comment: The c.1033G>C variant in the HNF4 homeobox A gene, HNF4A, causes an amino acid change of apartic acid to histidine at codon 345 (p.(Asp345His)) of NM_175914.5. This variant is absent from gnomAD v2.1.1 (PM2_Supporting). This variant is predicted to be deleterious by computational evidence, with a REVEL score of 0.908, which is greater than the MDEP threshold of 0.70 (PP3). This variant is located within the ligand-binding domain (codons 180-220 and 300-350) of HNF4A, which is defined as critical for the protein’s function by the ClinGen MDEP (PM1_Supporting). Another missense variant, c.1033G>T p.(Asp345Tyr), has been classified as likely pathogenic by the ClinGen MDEP (PM5_Supporting). This variant was identified in two individuals with non-autoimmune and non-absolute/near-absolute insulin-deficient diabetes; however, PS4_Moderate cannot be applied because this number is below the ClinGen MDEP threshold (PMID: 21105491, internal lab contributors). One of these individuals had a clinical history highly specific for HNF4A-monogenic diabetes (MODY probability calculator result >50%, negative genetic testing for HNF1A, and negative antibodies) (PP4_Moderate; PMID: 21105491). In summary, c.1033G>C meets the criteria to be classified as a likely pathogenic for monogenic diabetes. ACMG/AMP criteria applied, as specified by the ClinGen MDEP (specification version 2.0.0, approved 10/11/2023): PP4_Moderate, PM1_Supporting, PM2_Supporting, PM5_Supporting, PP3.

NM_175914.5(HNF4A):c.1033G>C (p.Asp345His)

Gene: HNF4A (hepatocyte nuclear factor 4 alpha; plus strand). Cytogenetic location: 20q13.12.
Variant type: single nucleotide variant.
Coding change: c.1033G>C on transcript NM_175914.5 (MANE Select); coding-DNA position 1033, G replaced by C.
Protein change: p.Asp345His; replaces aspartic acid 345 with histidine.
Molecular consequence: missense variant.
Genome position (GRCh38, 1-based): chr20:44,424,224, G>C. VCF-style: chr20-44424224-G-C. GRCh37 (hg19) VCF-style: chr20-43052864-G-C.
Other names: NM_175914.5:c.1033G>C; c.1099G>C, p.Asp367His (NM_000457.6, NM_178849.3, NM_178850.3); c.1033G>C, p.Asp345His (NM_001030003.3, NM_001030004.3); c.1078G>C, p.Asp360His (NM_001258355.2); c.1024G>C, p.Asp342His (NM_001287182.2, NM_001287183.2, NM_001287184.2); short protein forms D342H, D345H, D360H, D367H.
Identifiers: ClinVar variation 3602120 (VCV003602120.1).
Genomic context (GRCh38, chr20:44,424,224, plus strand): 5'-ATCACCTGGCAGATGATCGAGCAGATCCAGTTCATCAAGCTCTTCGGCATGGCCAAGATT[G>C]ACAACCTGTTGCAGGAGATGCTGCTGGGAGGTCCGTGCCAAGCCCAGGAGGGGCGGGGTT-3'
Protein context (NP_787110.2, residues 335-355): FIKLFGMAKI[Asp345His]NLLQEMLLGG